The following is an entry in ClinVar:

NM_000219.6(KCNE1):c.98G>C (p.Arg33Thr)

Gene: KCNE1 (potassium voltage-gated channel subfamily E regulatory subunit 1; minus strand). Cytogenetic location: 21q22.12.
Variant type: single nucleotide variant.
Coding change: c.98G>C on transcript NM_000219.6 (MANE Select); coding-DNA position 98, G replaced by C.
Protein change: p.Arg33Thr; replaces arginine 33 with threonine.
Molecular consequence: missense variant.
Genome position (GRCh38, 1-based): chr21:34,449,537, C>G on the plus strand (G>C on the coding strand, the complement: KCNE1 is on the minus strand). VCF-style: chr21-34449537-C-G. GRCh37 (hg19) VCF-style: chr21-35821835-C-G.
Other names: c.98G>C, p.Arg33Thr (NM_001127668.4, NM_001127669.4, NM_001127670.4 and 4 more transcripts); short protein forms R33T.
Identifiers: ClinVar variation 3374042 (VCV003374042.2).

Conditions:
Long QT syndrome 5 (LQT5). Identifiers: Orphanet 101016, Orphanet 768, MedGen C1867904, MONDO:0013372, OMIM 613695.

Submission:

Roden Lab, Vanderbilt University Medical Center
No classification provided (evidence only). Condition: Long QT syndrome 5. Review status: no classification provided. Collection method: in vitro. Allele origin: not applicable. Functional consequence: Effect on ion channel function.
ClinVar note: "not provided" was previously submitted as the classification for the variant. However, the classification appeared to be based only on an observation of functional data so it was converted to no classification on 2025-07-30.